The following is an entry in ClinVar:

NM_001083962.2(TCF4):c.1106C>A (p.Ala369Asp)

Gene: TCF4 (transcription factor 4; minus strand). Cytogenetic location: 18q21.2.
Variant type: single nucleotide variant.
Coding change: c.1106C>A on transcript NM_001083962.2 (MANE Select); coding-DNA position 1106, C replaced by A.
Protein change: p.Ala369Asp; replaces alanine 369 with aspartic acid.
Molecular consequence: missense variant.
Genome position (GRCh38, 1-based): chr18:55,257,355, G>T on the plus strand (C>A on the coding strand, the complement: TCF4 is on the minus strand). VCF-style: chr18-55257355-G-T. GRCh37 (hg19) VCF-style: chr18-52924586-G-T.
Other names: c.893C>A, p.Ala298Asp (NM_001306208.1, NM_001243232.1); c.1103C>A, p.Ala368Asp (NM_001330604.3, NM_001369573.1, NM_001369574.1 and 2 more transcripts); c.716C>A, p.Ala239Asp (NM_001330605.3, NM_001348212.2, NM_001348213.2 and 1 more transcripts); c.980C>A, p.Ala327Asp (NM_001348211.2, NM_001243231.2); c.623C>A, p.Ala208Asp (NM_001348214.2); c.458C>A, p.Ala153Asp (NM_001348215.2); c.626C>A, p.Ala209Asp (NM_001348216.2, NM_001243234.2, NM_001243235.2 and 1 more transcripts); c.1034C>A, p.Ala345Asp (NM_001348217.1, NM_001369575.1, NM_001369582.1 and 5 more transcripts); and 6 more; short protein forms A153D, A208D, A209D, A239D, A298D, A327D, A344D, A345D.
Identifiers: ClinVar variation 983479 (VCV000983479.13), dbSNP rs1016959427, ClinGen allele CA300816404.

ClinVar aggregate classification (germline): Conflicting classifications of pathogenicity. Review status: criteria provided, conflicting classifications (1 of 4 stars). 4 submissions from 4 submitters: Uncertain significance (2); Likely benign (2). Last evaluated 2024-10-16.

Conditions:
Pitt-Hopkins syndrome (PTHS). Also called: ENCEPHALOPATHY, SEVERE EPILEPTIC, WITH AUTONOMIC DYSFUNCTION; MENTAL RETARDATION, SYNDROMAL, WITH INTERMITTENT HYPERVENTILATION. Identifiers: Orphanet 2896, MedGen C1970431, MONDO:0012589, OMIM 610954.
Oculomotor apraxia. Identifiers: MedGen C3489733, HP:0000657.

Allele frequency attached by ClinVar (database versions not stated): gnomAD exomes below 0.00001; gnomAD 0.00001; TOPMed 0.00001.
gnomAD v4.1: 5 of 1,613,630 alleles (0.00031%); highest among the groups gnomAD compares: East Asian, 0.0022%; no homozygotes.

Submissions (4):

Women's Health and Genetics/Laboratory Corporation of America, LabCorp
Classification: Uncertain significance. Last evaluated: 2024-10-16. Review status: criteria provided, single submitter. Criteria: LabCorp Variant Classification Summary - May 2015. Collection method: clinical testing. Allele origin: germline.
Comment: Variant summary: TCF4 c.1106C>A (p.Ala369Asp) results in a non-conservative amino acid change in the encoded protein sequence. Three of five in-silico tools predict a benign effect of the variant on protein function. The variant allele was found at a frequency of 4e-06 in 251096 control chromosomes. The available data on variant occurrences in the general population are insufficient to allow any conclusion about variant significance. To our knowledge, no occurrence of c.1106C>A in individuals affected with Pitt-Hopkins Syndrome and no experimental evidence demonstrating its impact on protein function have been reported. ClinVar contains an entry for this variant (Variation ID: 983479). Based on the evidence outlined above, the variant was classified as uncertain significance.

Labcorp Genetics (formerly Invitae), Labcorp
Classification: Likely benign for Pitt-Hopkins syndrome. Last evaluated: 2022-08-23. Review status: criteria provided, single submitter. Criteria: Invitae Variant Classification Sherloc (09022015). Collection method: clinical testing. Allele origin: germline.

Institute of Human Genetics, University of Goettingen
Classification: Likely benign for Oculomotor apraxia. Last evaluated: 2020-10-27. Review status: criteria provided, single submitter. Criteria: ACMG Guidelines, 2015. Collection method: clinical testing. Allele origin: germline. Inheritance: Autosomal dominant inheritance. Affected: yes. Observed: 1 heterozygote.

GeneDx
Classification: Uncertain significance. Last evaluated: 2019-08-05. Review status: criteria provided, single submitter. Criteria: GeneDx Variant Classification Process June 2021. Collection method: clinical testing. Allele origin: germline. Affected: yes.
Comment: In silico analysis, which includes protein predictors and evolutionary conservation, supports a deleterious effect; Has not been previously published as pathogenic or benign to our knowledge